The following is an entry in ClinVar:

ClinVar aggregate classification (germline): Benign/Likely benign. Review status: criteria provided, multiple submitters, no conflicts (2 of 4 stars). 4 submissions from 4 submitters: Benign (2); Likely benign (1). 1 of the submissions does not count toward it. Last evaluated 2026-01-23.

Conditions:
LRRC56-related disorder. Also called: LRRC56-related condition.

Allele frequency attached by ClinVar (database versions not stated): gnomAD exomes 0.00112; ESP Exome Variant Server 0.00189; ExAC 0.00202; gnomAD 0.00264 and 0.00277; TOPMed 0.00303; 1000 Genomes Project 0.00359; 1000 Genomes Project 30x 0.00453.
gnomAD v4.1: 1,361 of 1,530,860 alleles (0.089%); highest among the groups gnomAD compares: Middle Eastern, 1.6%; 9 homozygotes.

Submissions (6):

Labcorp Genetics (formerly Invitae), Labcorp
Classification: Benign. Last evaluated: 2026-01-23. Review status: criteria provided, single submitter. Criteria: Invitae Variant Classification Sherloc (09022015). Collection method: clinical testing. Allele origin: germline.

CeGaT Center for Human Genetics Tuebingen
Classification: Likely benign. Last evaluated: 2025-04-01. Review status: criteria provided, single submitter. Criteria: CeGaT Center For Human Genetics Tuebingen Variant Classification Criteria Version 2. Collection method: clinical testing. Allele origin: germline. Affected: yes. Observed: 1 variant allele.
Comment: LRRC56: PP3, BS2

Breakthrough Genomics
Classification: Benign. Review status: criteria provided, single submitter. Criteria: ACMG Guidelines, 2015. Collection method: not provided. Allele origin: germline. Inheritance: Autosomal recessive inheritance. Affected: yes.

PreventionGenetics, part of Exact Sciences
Classification: Benign for LRRC56-related condition. Last evaluated: 2022-10-17. Review status: no assertion criteria provided. Collection method: clinical testing. Allele origin: germline. Not counted in ClinVar's aggregate classification.
Comment: This variant is classified as benign based on ACMG/AMP sequence variant interpretation guidelines (Richards et al. 2015 PMID: 25741868, with internal and published modifications).

Dr. Peter K. Rogan Lab, Western University
No classification provided (evidence only). Condition: Uterine corpus endometrial carcinoma. Review status: no classification provided. Collection method: in vitro. Allele origin: not applicable. Functional consequence: cryptic splice site, retained intron. Not counted in ClinVar's aggregate classification.

Dr. Peter K. Rogan Lab, Western University
No classification provided (evidence only). Condition: Ovarian serous cystadenocarcinoma. Review status: no classification provided. Collection method: in vitro. Allele origin: not applicable. Functional consequence: retained intron. Not counted in ClinVar's aggregate classification.

NM_198075.4(LRRC56):c.777C>T (p.Gly259=)

Gene: LRRC56 (leucine rich repeat containing 56; plus strand). Cytogenetic location: 11p15.5.
Variant type: single nucleotide variant.
Coding change: c.777C>T on transcript NM_198075.4 (MANE Select); coding-DNA position 777, C replaced by T.
Protein change: p.Gly259=; no amino-acid change (glycine 259 retained).
Molecular consequence: synonymous variant.
Genome position (GRCh38, 1-based): chr11:551,283, C>T. VCF-style: chr11-551283-C-T. GRCh37 (hg19) VCF-style: chr11-551283-C-T.
Other names: c.777C>T (NM_198075.3).
Identifiers: ClinVar variation 1623209 (VCV001623209.19), dbSNP rs189029432, ClinGen allele CA5779812.